The following is an entry in ClinVar:

NM_001080449.3(DNA2):c.1057+16T>C

Gene: DNA2 (DNA replication helicase/nuclease 2; minus strand). Cytogenetic location: 10q21.3.
Variant type: single nucleotide variant.
Coding change: c.1057+16T>C on transcript NM_001080449.3 (MANE Select); 16 bases into the intron after coding-DNA position 1057, T replaced by C.
Molecular consequence: intron variant.
Genome position (GRCh38, 1-based): chr10:68,446,280, A>G on the plus strand (T>C on the coding strand, the complement: DNA2 is on the minus strand). VCF-style: chr10-68446280-A-G. GRCh37 (hg19) VCF-style: chr10-70206037-A-G.
Identifiers: ClinVar variation 383047 (VCV000383047.1), dbSNP rs1057521508, ClinGen allele CA16606046.

ClinVar aggregate classification (germline): Likely benign (1 of 4 stars; one submission).

Allele frequency attached by ClinVar (database versions not stated): gnomAD exomes 0.00001.
gnomAD v4.1: 13 of 1,490,888 alleles (0.00087%); highest among the groups gnomAD compares: Non-Finnish European, 0.0012%; no homozygotes.

Submission:

GeneDx
Classification: Likely benign. Last evaluated: 2017-01-25. Review status: criteria provided, single submitter. Criteria: GeneDx Variant Classification (06012015). Collection method: clinical testing. Allele origin: germline. Affected: yes.
Comment: This variant is considered likely benign or benign based on one or more of the following criteria: it is a conservative change, it occurs at a poorly conserved position in the protein, it is predicted to be benign by multiple in silico algorithms, and/or has population frequency not consistent with disease.